The following is an entry in ClinVar:

NM_000702.4(ATP1A2):c.*142A>G

Gene: ATP1A2 (ATPase Na+/K+ transporting subunit alpha 2; plus strand). Cytogenetic location: 1q23.2.
Variant type: single nucleotide variant.
Coding change: c.*142A>G on transcript NM_000702.4 (MANE Select); 142 bases downstream of the stop codon, A replaced by G.
Molecular consequence: 3 prime UTR variant.
Genome position (GRCh38, 1-based): chr1:160,141,464, A>G. VCF-style: chr1-160141464-A-G. GRCh37 (hg19) VCF-style: chr1-160111254-A-G.
Identifiers: ClinVar variation 293139 (VCV000293139.5), dbSNP rs117680524, ClinGen allele CA10607926.
Genomic context (GRCh38, chr1:160,141,464, plus strand): 5'-TAACGGGTGGCATTGGGTGGCAACATTTGGGGAGAGATAATGAGGCAACTCAGCAGGCTA[A>G]GTTGCGGGGTATATAAATTGGGGTGATGACCCCATAGACCTAACTGTGAACAATCAGATT-3'

ClinVar aggregate classification (germline): Benign. Review status: criteria provided, single submitter (1 of 4 stars). 2 submissions from 1 submitter: Benign (2). Last evaluated 2018-01-12.

Conditions:
Alternating hemiplegia of childhood 1 (AHC1). Identifiers: Orphanet 2131, MedGen C3549447, MONDO:0007087, OMIM 104290.
Migraine, familial hemiplegic, 2. Identifiers: Orphanet 569, MedGen C1865322, MONDO:0011232, OMIM 602481.

Allele frequency attached by ClinVar (database versions not stated): gnomAD 0.00026 and 0.00035; gnomAD exomes 0.00027; TOPMed 0.00054; 1000 Genomes Project 30x 0.00156; 1000 Genomes Project 0.00200.
gnomAD v4.1: 297 of 1,047,636 alleles (0.028%); highest among the groups gnomAD compares: East Asian, 0.66%; no homozygotes.

Submissions (2):

Illumina Laboratory Services, Illumina
Classification: Benign for Alternating hemiplegia of childhood 1. Last evaluated: 2018-01-12. Review status: criteria provided, single submitter. Criteria: ICSL Variant Classification Criteria 13 December 2019. Collection method: clinical testing. Allele origin: germline.
Comment: This variant was observed in the ICSL laboratory as part of a predisposition screen in an ostensibly healthy population. It had not been previously curated by ICSL or reported in the Human Gene Mutation Database (HGMD: prior to June 1st, 2018), and was therefore a candidate for classification through an automated scoring system. Utilizing variant allele frequency, disease prevalence and penetrance estimates, and inheritance mode, an automated score was calculated to assess if this variant is too frequent to cause the disease. Based on the score and internal cut-off values, a variant classified as benign is not then subjected to further curation. The score for this variant resulted in a classification of benign for this disease.

Illumina Laboratory Services, Illumina
Classification: Benign for Migraine, familial hemiplegic, 2. Last evaluated: 2018-01-12. Review status: criteria provided, single submitter. Criteria: ICSL Variant Classification Criteria 13 December 2019. Collection method: clinical testing. Allele origin: germline.
Comment: the same text as in the submission from Illumina Laboratory Services, Illumina above.